The following is an entry in ClinVar:

ClinVar aggregate classification (germline): Benign (1 of 4 stars; one submission).

Submission:

ISCA site 4
Classification: Benign. Last evaluated: 2011-08-12. Review status: criteria provided, single submitter. Criteria: Kaminsky et al. (Genet Med. 2011). Collection method: clinical testing. Allele origin: unknown. Affected: yes. Observed: 2 variant alleles.
Comment: Copy number variation identified through the course of routine clinical cytogenomic testing in postnatal populations. Clinical assertions have been curated as described in Kaminsky et al. 2011.

GRCh38/hg38 14q32.33(chr14:106112755-106318409)x3

Genes: IGH (immunoglobulin heavy locus; minus strand), IGHV1-18 (immunoglobulin heavy variable 1-18; minus strand), IGHV1-24 (immunoglobulin heavy variable 1-24; minus strand), IGHV2-26 (immunoglobulin heavy variable 2-26; minus strand), IGHV3-11 (immunoglobulin heavy variable 3-11; minus strand) and 9 more. Cytogenetic location: 14q32.33.
Variant type: copy number gain.
Change: copy number 3 (three copies instead of two) of chr14:106,112,755-106,318,409 (205.7 kb, GRCh38 coordinates, 1-based), cytogenetic band 14q32.33.
Identifiers: ClinVar variation 161083 (VCV000161083.1).